The following is an entry in ClinVar:

NM_002547.3(OPHN1):c.1441C>G (p.Arg481Gly)

Gene: OPHN1 (oligophrenin 1; minus strand). Cytogenetic location: Xq12.
Variant type: single nucleotide variant.
Coding change: c.1441C>G on transcript NM_002547.3 (MANE Select); coding-DNA position 1441, C replaced by G.
Protein change: p.Arg481Gly; replaces arginine 481 with glycine.
Molecular consequence: missense variant.
Genome position (GRCh38, 1-based): chrX:68,111,939, G>C on the plus strand (C>G on the coding strand, the complement: OPHN1 is on the minus strand). VCF-style: chrX-68111939-G-C. GRCh37 (hg19) VCF-style: chrX-67331781-G-C.
Other names: short protein forms R481G.
Identifiers: ClinVar variation 1312200 (VCV001312200.2), dbSNP rs2077105868, ClinGen allele CA413431729.
Genomic context (GRCh38, chrX:68,111,939, plus strand): 5'-CCAGCATCTCTCGGTTCTTTTCTGGTAGCTTATATACCAGGGAGTGAATAGCTCCTAGGC[G>C]GTAATCCAGGTTGTCAGACTCTGGGATAGAACAGTAAGAGATAAATGGTTTGGCTTTCTG-3'
Protein context (NP_002538.1, residues 471-491): SAAKSDNLDY[Arg481Gly]LGAIHSLVYK

ClinVar aggregate classification (germline): Uncertain significance (1 of 4 stars; one submission).

Submission:

GeneDx
Classification: Uncertain significance. Last evaluated: 2019-09-06. Review status: criteria provided, single submitter. Criteria: GeneDx Variant Classification Process June 2021. Collection method: clinical testing. Allele origin: germline. Affected: yes.
Comment: Has not been previously published as pathogenic or benign to our knowledge; Not observed in large population cohorts (Lek et al., 2016); In silico analysis, which includes protein predictors and evolutionary conservation, supports a deleterious effect